The following is an entry in ClinVar:

ClinVar aggregate classification (germline): Uncertain significance (1 of 4 stars; one submission).

Submission:

GeneDx
Classification: Uncertain significance. Last evaluated: 2017-06-16. Review status: criteria provided, single submitter. Criteria: GeneDx Variant Classification (06012015). Collection method: clinical testing. Allele origin: germline. Affected: yes.
Comment: The E265K variant in the HMX1 gene has not been reported previously as a pathogenic variant, nor as a benign variant, to our knowledge. The E265K variant is not observed in large population cohorts (Lek et al., 2016; 1000 Genomes Consortium et al., 2015; Exome Variant Server). The E265K variant is a non-conservative amino acid substitution, which is likely to impact secondary protein structure as these residues differ in polarity, charge, size and/or other properties. This substitution occurs at a position where amino acids with similar properties to Glutamic Acid are tolerated across species. In silico analysis predicts this variant is probably damaging to the protein structure/function. We interpret E265K as a variant of uncertain significance.

NM_018942.3(HMX1):c.793G>A (p.Glu265Lys)

Gene: HMX1 (H6 family homeobox 1; minus strand). Cytogenetic location: 4p16.1.
Variant type: single nucleotide variant.
Coding change: c.793G>A on transcript NM_018942.3 (MANE Select); coding-DNA position 793, G replaced by A.
Protein change: p.Glu265Lys; replaces glutamic acid 265 with lysine.
Molecular consequence: missense variant. On other transcripts: intron variant (1).
Genome position (GRCh38, 1-based): chr4:8,867,947, C>T on the plus strand (G>A on the coding strand, the complement: HMX1 is on the minus strand). VCF-style: chr4-8867947-C-T. GRCh37 (hg19) VCF-style: chr4-8869673-C-T.
Other names: c.394+3274G>A (NM_001306142.2); short protein forms E265K.
Identifiers: ClinVar variation 449983 (VCV000449983.2), dbSNP rs534795074, ClinGen allele CA356277804.